The following is an entry in ClinVar:

ClinVar aggregate classification (germline): Uncertain significance (1 of 4 stars; one submission).

Conditions:
Neutrophil immunodeficiency syndrome. Also called: Immunodeficiency 73A with defective neutrophil chemotaxis and leukocytosis. Identifiers: Orphanet 183707, MedGen C1842398, MONDO:0011988, OMIM 608203.

Submission:

Labcorp Genetics (formerly Invitae), Labcorp
Classification: Uncertain significance for Neutrophil immunodeficiency syndrome. Last evaluated: 2024-02-24. Review status: criteria provided, single submitter. Criteria: Invitae Variant Classification Sherloc (09022015). Collection method: clinical testing. Allele origin: germline.
Comment: This sequence change replaces isoleucine, which is neutral and non-polar, with valine, which is neutral and non-polar, at codon 111 of the RAC2 protein (p.Ile111Val). This variant is not present in population databases (gnomAD no frequency). This variant has not been reported in the literature in individuals affected with RAC2-related conditions. Advanced modeling of protein sequence and biophysical properties (such as structural, functional, and spatial information, amino acid conservation, physicochemical variation, residue mobility, and thermodynamic stability) performed at Invitae indicates that this missense variant is not expected to disrupt RAC2 protein function with a negative predictive value of 95%. In summary, the available evidence is currently insufficient to determine the role of this variant in disease. Therefore, it has been classified as a Variant of Uncertain Significance.

NM_002872.5(RAC2):c.331A>G (p.Ile111Val)

Gene: RAC2 (Rac family small GTPase 2; minus strand). Cytogenetic location: 22q13.1.
Variant type: single nucleotide variant.
Coding change: c.331A>G on transcript NM_002872.5 (MANE Select); coding-DNA position 331, A replaced by G.
Protein change: p.Ile111Val; replaces isoleucine 111 with valine.
Molecular consequence: missense variant.
Genome position (GRCh38, 1-based): chr22:37,231,348, T>C on the plus strand (A>G on the coding strand, the complement: RAC2 is on the minus strand). VCF-style: chr22-37231348-T-C. GRCh37 (hg19) VCF-style: chr22-37627388-T-C.
Other names: short protein forms I111V.
Identifiers: ClinVar variation 4803197 (VCV004803197.1).